The following is an entry in ClinVar:

NM_006206.6(PDGFRA):c.271T>G (p.Ser91Ala)

Gene: PDGFRA (platelet derived growth factor receptor alpha; plus strand). Cytogenetic location: 4q12.
Variant type: single nucleotide variant.
Coding change: c.271T>G on transcript NM_006206.6 (MANE Select); coding-DNA position 271, T replaced by G.
Protein change: p.Ser91Ala; replaces serine 91 with alanine.
Molecular consequence: missense variant.
Genome position (GRCh38, 1-based): chr4:54,261,316, T>G. VCF-style: chr4-54261316-T-G. GRCh37 (hg19) VCF-style: chr4-55127483-T-G.
Other names: c.271T>G, p.Ser91Ala (NM_001347827.2, NM_001347829.2); c.346T>G, p.Ser116Ala (NM_001347828.2); c.310T>G, p.Ser104Ala (NM_001347830.2); short protein forms S91A, S104A, S116A.
Identifiers: ClinVar variation 3002538 (VCV003002538.2), dbSNP rs2475422940, ClinGen allele CA356888733.

ClinVar aggregate classification (germline): Uncertain significance (1 of 4 stars; one submission).

Conditions:
Gastrointestinal stromal tumor. Also called: Gastrointestinal stromal tumor, somatic; Gastrointestinal stroma tumor. Identifiers: Orphanet 44890, MedGen C0238198, MeSH D046152, MONDO:0011719, OMIM 606764, HP:0100723.

Submission:

Labcorp Genetics (formerly Invitae), Labcorp
Classification: Uncertain significance for Gastrointestinal stromal tumor. Last evaluated: 2023-02-28. Review status: criteria provided, single submitter. Criteria: Invitae Variant Classification Sherloc (09022015). Collection method: clinical testing. Allele origin: germline.
Comment: In summary, the available evidence is currently insufficient to determine the role of this variant in disease. Therefore, it has been classified as a Variant of Uncertain Significance. Advanced modeling of protein sequence and biophysical properties (such as structural, functional, and spatial information, amino acid conservation, physicochemical variation, residue mobility, and thermodynamic stability) performed at Invitae indicates that this missense variant is not expected to disrupt PDGFRA protein function. This variant has not been reported in the literature in individuals affected with PDGFRA-related conditions. This variant is not present in population databases (gnomAD no frequency). This sequence change replaces serine, which is neutral and polar, with alanine, which is neutral and non-polar, at codon 91 of the PDGFRA protein (p.Ser91Ala).